The following is an entry in ClinVar:

NM_000138.5(FBN1):c.4188del (p.Gly1397fs)

Gene: FBN1 (fibrillin 1; minus strand). Cytogenetic location: 15q21.1.
Variant type: Deletion.
Coding change: c.4188del on transcript NM_000138.5 (MANE Select); coding-DNA position 4188, one base deleted (A; older notation c.4188delA).
Protein change: p.Gly1397fs; shifts the reading frame from glycine 1397.
Molecular consequence: frameshift variant.
Genome position (GRCh38, 1-based): chr15:48,474,277, T deleted on the plus strand (A on the coding strand, the reverse complement: FBN1 is on the minus strand). VCF-style (leftmost placement, unchanged base first): chr15-48474276-CT-C. GRCh37 (hg19) VCF-style: chr15-48766473-CT-C.
Other names: c.4188delA (NM_000138.4); short protein forms G1397fs.
Identifiers: ClinVar variation 527190 (VCV000527190.8), dbSNP rs1555397652, ClinGen allele CA658798357.

ClinVar aggregate classification (germline): Pathogenic. Review status: criteria provided, multiple submitters, no conflicts (2 of 4 stars). 2 submissions from 2 submitters: Pathogenic (2). Last evaluated 2017-09-02.

Conditions:
Familial thoracic aortic aneurysm and aortic dissection (TAAD). Also called: Thoracic aortic aneurysms and dissections. Identifiers: Orphanet 91387, MedGen C4707243, MONDO:0019625.
Marfan syndrome (MFS). Also called: Marfan syndrome type 1; Marfan syndrome, classic; Marfan's syndrome; FBN1-Related Marfan Syndrome; MARFAN SYNDROME, TYPE I. Identifiers: Orphanet 284963, Orphanet 558, MedGen C0024796, MONDO:0007947, OMIM 154700.

Submissions (2):

Labcorp Genetics (formerly Invitae), Labcorp
Classification: Pathogenic for Marfan syndrome; Familial thoracic aortic aneurysm and aortic dissection. Last evaluated: 2017-09-02. Review status: criteria provided, single submitter. Criteria: Invitae Variant Classification Sherloc (09022015). Collection method: clinical testing. Allele origin: germline.
Comment: This sequence change creates a premature translational stop signal (p.Gly1397Valfs*16) in the FBN1 gene. It is expected to result in an absent or disrupted protein product. This variant is not present in population databases (ExAC no frequency). This variant has not been reported in the literature in individuals with FBN1-related disease. Loss-of-function variants in FBN1 are known to be pathogenic (PMID: 17657824, 19293843). For these reasons, this variant has been classified as Pathogenic.

Ambry Genetics
Classification: Pathogenic for Familial thoracic aortic aneurysm and aortic dissection. Last evaluated: 2017-04-10. Review status: criteria provided, single submitter. Criteria: Ambry Variant Classification Scheme 2023. Collection method: clinical testing. Allele origin: germline.
Comment: The c.4188delA pathogenic mutation, located in coding exon 33 of the FBN1 gene, results from a deletion of one nucleotide at position 4188, causing a translational frameshift with a predicted alternate stop codon (p.G1397Vfs*16). This alteration is expected to result in loss of function by premature protein truncation or nonsense-mediated mRNA decay. As such, this alteration is interpreted as a disease-causing mutation.

Literature cited by the submitters: PubMed 17657824 (cited by Labcorp Genetics (formerly Invitae), Labcorp); PubMed 19293843 (cited by Labcorp Genetics (formerly Invitae), Labcorp).